The following is an entry in ClinVar:

NM_001142864.4(PIEZO1):c.5238G>T (p.Leu1746=)

Gene: PIEZO1 (piezo type mechanosensitive ion channel component 1 (Er blood group); minus strand). Cytogenetic location: 16q24.3.
Variant type: single nucleotide variant.
Coding change: c.5238G>T on transcript NM_001142864.4 (MANE Select); coding-DNA position 5238, G replaced by T.
Protein change: p.Leu1746=; no amino-acid change (leucine 1746 retained).
Molecular consequence: synonymous variant.
Genome position (GRCh38, 1-based): chr16:88,721,703, C>A on the plus strand (G>T on the coding strand, the complement: PIEZO1 is on the minus strand). VCF-style: chr16-88721703-C-A. GRCh37 (hg19) VCF-style: chr16-88788111-C-A.
Other names: c.3780G>T, p.Leu1260= (NM_014745.1).
Identifiers: ClinVar variation 3051390 (VCV003051390.2), dbSNP rs932931452, ClinGen allele CA497365338.

ClinVar aggregate classification (germline): Likely benign (0 of 4 stars; one submission).

Conditions:
PIEZO1-related disorder. Also called: PIEZO1-Related Disorders; PIEZO1-related condition.

Submission:

PreventionGenetics, part of Exact Sciences
Classification: Likely benign for PIEZO1-related condition. Last evaluated: 2020-02-25. Review status: no assertion criteria provided. Collection method: clinical testing. Allele origin: germline.
Comment: This variant is classified as likely benign based on ACMG/AMP sequence variant interpretation guidelines (Richards et al. 2015 PMID: 25741868, with internal and published modifications).